The following is an entry in ClinVar:

ClinVar aggregate classification (germline): Pathogenic (1 of 4 stars; one submission).

Conditions:
Chromosome 2q37 deletion syndrome (BDMR). Also called: Chromosome 2, monosomy 2q37; Monosomy 2q37; Deletion 2q37; ALBRIGHT HEREDITARY OSTEODYSTROPHY-LIKE SYNDROME; 2q37 microdeletion syndrome. Identifiers: Orphanet 1001, MedGen C2931817, MONDO:0010886, OMIM 600430.

Submission:

Suzhou Clinical Center for Rare Diseases in Children, Children's Hospital of Soochow University
Classification: Pathogenic for Chromosome 2q37 deletion syndrome. Last evaluated: 2024-09-01. Review status: criteria provided, single submitter. Criteria: ACMG/ClinGen CNV Guidelines, 2019. Collection method: clinical testing. Allele origin: de novo. Inheritance: Sporadic. Affected: yes. Observed: 1 heterozygote.
Comment: Copy number variation identified through the course of routine clinical cytogenomic testing in postnatal populations. Clinical assertions have been curated as described in Kaminsky et al. 2011.

Single allele

Genes: ACKR3 (atypical chemokine receptor 3; plus strand), AGAP1 (ArfGAP with GTPase domain, ankyrin repeat and PH domain 1; plus strand), AGXT (alanine--glyoxylate aminotransferase; plus strand), ANKMY1 (ankyrin repeat and MYND domain containing 1; minus strand), ANO7 (anoctamin 7; plus strand) and 57 more. Cytogenetic location: 2q37.2-37.3.
Variant type: Deletion.
Identifiers: ClinVar variation 3362876 (VCV003362876.2).